The following is an entry in ClinVar:

ClinVar aggregate classification (germline): Benign/Likely benign. Review status: criteria provided, multiple submitters, no conflicts (2 of 4 stars). 4 submissions from 4 submitters: Benign (1); Likely benign (3). Last evaluated 2026-01-18.

Allele frequency attached by ClinVar (database versions not stated): gnomAD 0.00016; TOPMed 0.00026; ESP Exome Variant Server 0.00031; ExAC 0.00040; gnomAD exomes 0.00058.
gnomAD v4.1: 480 of 1,614,140 alleles (0.03%); highest among the groups gnomAD compares: Admixed American, 0.023%; 2 homozygotes.

Submissions (4):

Labcorp Genetics (formerly Invitae), Labcorp
Classification: Benign. Last evaluated: 2026-01-18. Review status: criteria provided, single submitter. Criteria: Invitae Variant Classification Sherloc (09022015). Collection method: clinical testing. Allele origin: germline.

GeneDx
Classification: Likely benign. Last evaluated: 2022-03-09. Review status: criteria provided, single submitter. Criteria: GeneDx Variant Classification Process June 2021. Collection method: clinical testing. Allele origin: germline. Affected: yes.

Laboratory for Molecular Medicine, Mass General Brigham Personalized Medicine
Classification: Likely benign. Last evaluated: 2021-10-07. Review status: criteria provided, single submitter. Criteria: ACMG Guidelines, 2015. Collection method: clinical testing. Allele origin: germline.
Comment: The p.Thr311Asn variant in HARS2 has not been previously reported in individuals with hearing loss but has been identified in 1.167% (121/10370) of Ashkenazi Jewish chromosomes by gnomAD. This variant has also been reported in ClinVar (Variation ID 214541). Computational prediction tools and conservation analyses suggest that this variant may not impact the protein, though this information is not predictive enough to rule out pathogenicity. In summary, because of the high frequency in the population, this variant is likely to be benign. ACMG/AMP Criteria applied: BS1, BP4.

Breakthrough Genomics
Classification: Likely benign. Review status: criteria provided, single submitter. Criteria: ACMG Guidelines, 2015. Collection method: not provided. Allele origin: germline. Inheritance: Autosomal recessive inheritance. Affected: yes.

NM_012208.4(HARS2):c.932C>A (p.Thr311Asn)

Gene: HARS2 (histidyl-tRNA synthetase 2, mitochondrial; plus strand). Cytogenetic location: 5q31.3.
Variant type: single nucleotide variant.
Coding change: c.932C>A on transcript NM_012208.4 (MANE Select); coding-DNA position 932, C replaced by A.
Protein change: p.Thr311Asn; replaces threonine 311 with asparagine.
Molecular consequence: missense variant.
Genome position (GRCh38, 1-based): chr5:140,697,048, C>A. VCF-style: chr5-140697048-C-A. GRCh37 (hg19) VCF-style: chr5-140076633-C-A.
Other names: p.T311N:ACT>AAT; c.857C>A, p.Thr286Asn (NM_001278731.2); c.500C>A, p.Thr167Asn (NM_001278732.2); c.950C>A, p.Thr317Asn (NM_001363535.2); c.722C>A, p.Thr241Asn (NM_001363536.2); short protein forms T311N, T167N, T241N, T286N, T317N.
Identifiers: ClinVar variation 214541 (VCV000214541.16), dbSNP rs145866248, ClinGen allele CA324838.